The following is an entry in ClinVar:

NM_000085.5(CLCNKB):c.1234_1246del (p.Met412fs)

Genes: CLCNKB (chloride voltage-gated channel Kb; plus strand), LOC106501713 (CLCNKB recombination region; plus strand). Cytogenetic location: 1p36.13.
Variant type: Deletion.
Coding change: c.1234_1246del on transcript NM_000085.5 (MANE Select); coding-DNA positions 1234 to 1246, 13 bases deleted (ATGCTGATTCTGG).
Protein change: p.Met412fs; shifts the reading frame from methionine 412.
Molecular consequence: frameshift variant.
Genome position (GRCh38, 1-based): chr1:16,051,484-16,051,496, ATGCTGATTCTGG deleted; deleting any 13 consecutive bases within chr1:16,051,478-16,051,496 gives the same sequence; the c. name uses the placement nearest the transcript's 3' end. VCF-style (leftmost placement, unchanged base first): chr1-16051477-GTTCTGGATGCTGA-G. GRCh37 (hg19) VCF-style: chr1-16377972-GTTCTGGATGCTGA-G.
Other names: c.727_739del, p.Met243fs (NM_001165945.2); short protein forms M243fs, M412fs.
Identifiers: ClinVar variation 3242183 (VCV003242183.1), dbSNP rs2524389129.

ClinVar aggregate classification (germline): Likely pathogenic (1 of 4 stars; one submission).

Conditions:
Bartter disease type 3. Also called: Bartter syndrome type 3. Identifiers: Orphanet 112, Orphanet 93605, MedGen C1846343, MONDO:0011822, OMIM 607364.

Submission:

Neuberg Centre For Genomic Medicine, NCGM
Classification: Likely pathogenic for Bartter disease type 3. Review status: criteria provided, single submitter. Criteria: ACMG Guidelines, 2015. Collection method: clinical testing. Allele origin: germline. Inheritance: Autosomal recessive inheritance. Affected: yes.
Comment: The observed frameshift splice c.1234_1246del (p.Met412ProfsTer63) variant in CLCNKB gene has not been reported previously as a pathogenic variant nor as a benign variant, to our knowledge. The p.Met412ProfsTer63 variant is absent in gnomAD Exomes. This variant has not been submitted to the ClinVar database. This variant causes a frameshift starting with codon Methionine 412, changes this amino acid to Proline residue, and creates a premature Stop codon at position 63 of the new reading frame, denoted p.Met412ProfsTer63. This variant is predicted to cause loss of normal protein function through protein truncation. Loss of function variants have been previously reported to be disease causing. However, additional functional studies will be required to prove the pathogenicity of this variant. For these reasons, this variant has been classified as Likely Pathogenic.